The following is an entry in ClinVar:

NM_000051.4(ATM):c.3994-1G>A

Gene: ATM (ATM serine/threonine kinase; plus strand). Cytogenetic location: 11q22.3.
Variant type: single nucleotide variant.
Coding change: c.3994-1G>A on transcript NM_000051.4 (MANE Select); the canonical splice acceptor site of the intron before coding-DNA position 3994, G replaced by A.
Molecular consequence: splice acceptor variant.
Genome position (GRCh38, 1-based): chr11:108,287,599, G>A. VCF-style: chr11-108287599-G-A. GRCh37 (hg19) VCF-style: chr11-108158326-G-A.
Other names: c.3994-1G>A (NM_001351834.2).
Identifiers: ClinVar variation 2584256 (VCV002584256.3), dbSNP rs1057516238, ClinGen allele CA382527399.
Genomic context (GRCh38, chr11:108,287,599, plus strand): 5'-AGCTGTCTTGACGTTCACAGATATAAAATATTAAATATATTTTAATTTTGTGCCCTTGCA[G>A]ATTGATCACTTATTCATTAGTAATTTACCAGAGATTGTGGTGGAGTTATTGATGACGTTA-3'

ClinVar aggregate classification (germline): Likely pathogenic. Review status: criteria provided, multiple submitters, no conflicts (2 of 4 stars). 2 submissions from 2 submitters: Likely pathogenic (2). Last evaluated 2025-10-15.

Conditions:
Hereditary cancer-predisposing syndrome. Also called: Hereditary neoplastic syndrome; Tumor predisposition; Hereditary Cancer Syndrome; Neoplastic Syndromes, Hereditary. Identifiers: Orphanet 140162, MedGen C0027672, MeSH D009386, MONDO:0015356.
Familial cancer of breast. Also called: BREAST CANCER, FAMILIAL; hereditary breast carcinoma; Hereditary breast cancer. Identifiers: Orphanet 227535, MedGen C0346153, MONDO:0016419, OMIM 114480. Disease mechanism: loss of function.

Submissions (2):

Color Diagnostics, LLC DBA Color Health
Classification: Likely pathogenic for Hereditary cancer-predisposing syndrome. Last evaluated: 2025-10-15. Review status: criteria provided, single submitter. Criteria: ACMG Guidelines, 2015. Collection method: clinical testing. Allele origin: germline.
Comment: This variant causes a G to A nucleotide substitution at the -1 position of intron 26 of the ATM gene. Splice site prediction tools suggest that this variant may impact RNA splicing. To our knowledge, RNA studies have not been reported for this variant. This variant has not been reported in individuals affected with ATM-related disorders in the literature. This variant has not been identified in the general population by the Genome Aggregation Database (gnomAD). Based on the available evidence, this variant is classified as Likely Pathogenic.

Myriad Genetics, Inc.
Classification: Likely pathogenic for Familial cancer of breast. Last evaluated: 2023-04-28. Review status: criteria provided, single submitter. Criteria: Myriad Autosomal Dominant, Autosomal Recessive and X-Linked Classification Criteria (2023). Collection method: clinical testing. Allele origin: unknown.
Comment: This variant is considered likely pathogenic. This variant occurs within a consensus splice junction and is predicted to result in abnormal mRNA splicing of either an out-of-frame exon or an in-frame exon necessary for protein stability and/or normal function.